The following is an entry in ClinVar:

NM_003227.4(TFR2):c.2278G>A (p.Gly760Arg)

Gene: TFR2 (transferrin receptor 2; minus strand). Cytogenetic location: 7q22.1.
Variant type: single nucleotide variant.
Coding change: c.2278G>A on transcript NM_003227.4 (MANE Select); coding-DNA position 2278, G replaced by A.
Protein change: p.Gly760Arg; replaces glycine 760 with arginine.
Molecular consequence: missense variant.
Genome position (GRCh38, 1-based): chr7:100,620,985, C>T on the plus strand (G>A on the coding strand, the complement: TFR2 is on the minus strand). VCF-style: chr7-100620985-C-T. GRCh37 (hg19) VCF-style: chr7-100218608-C-T.
Other names: c.1765G>A, p.Gly589Arg (NM_001206855.3); short protein forms G589R, G760R.
Identifiers: ClinVar variation 695413 (VCV000695413.16), dbSNP rs144665594, ClinGen allele CA4386166.

ClinVar aggregate classification (germline): Conflicting classifications of pathogenicity. Review status: criteria provided, conflicting classifications (1 of 4 stars). 4 submissions from 4 submitters: Uncertain significance (1); Benign (1). 2 of the submissions do not count toward it. Last evaluated 2026-01-20.

Conditions:
Hereditary hemochromatosis (HFE). Identifiers: MedGen C0392514, MONDO:0006507. Disease mechanism: loss of function.
TFR2-related disorder. Also called: TFR2-related condition.
Hemochromatosis type 3 (HFE3). Also called: TFR2-Related Hemochromatosis; Hereditary hemochromatosis type 3; HEMOCHROMATOSIS DUE TO DEFECT IN TRANSFERRIN RECEPTOR 2. Identifiers: Orphanet 225123, MedGen C1858664, MONDO:0011417, OMIM 604250.

Allele frequency attached by ClinVar (database versions not stated): ESP Exome Variant Server 0.00131; TOPMed 0.00175; gnomAD 0.00180 and 0.00184; 1000 Genomes Project 0.00260; 1000 Genomes Project 30x 0.00281.
gnomAD v4.1: 648 of 1,610,718 alleles (0.04%); highest among the groups gnomAD compares: African/African-American, 0.6%; 1 homozygote.

Submissions (4):

Labcorp Genetics (formerly Invitae), Labcorp
Classification: Benign for Hereditary hemochromatosis. Last evaluated: 2026-01-20. Review status: criteria provided, single submitter. Criteria: Invitae Variant Classification Sherloc (09022015). Collection method: clinical testing. Allele origin: germline.

Illumina Laboratory Services, Illumina
Classification: Uncertain significance for Hemochromatosis type 3. Last evaluated: 2018-01-15. Review status: criteria provided, single submitter. Criteria: ICSL Variant Classification Criteria 13 December 2019. Collection method: clinical testing. Allele origin: germline.

PreventionGenetics, part of Exact Sciences
Classification: Likely benign for TFR2-related condition. Last evaluated: 2024-08-13. Review status: no assertion criteria provided. Collection method: clinical testing. Allele origin: germline. Not counted in ClinVar's aggregate classification.
Comment: This variant is classified as likely benign based on ACMG/AMP sequence variant interpretation guidelines (Richards et al. 2015 PMID: 25741868, with internal and published modifications).

Natera, Inc.
Classification: Benign for Hereditary hemochromatosis type 3. Last evaluated: 2020-09-16. Review status: no assertion criteria provided. Collection method: clinical testing. Allele origin: germline. Not counted in ClinVar's aggregate classification.